The following is an entry in ClinVar:

ClinVar aggregate classification (germline): Uncertain significance (1 of 4 stars; one submission).

Submission:

Labcorp Genetics (formerly Invitae), Labcorp
Classification: Uncertain significance. Last evaluated: 2022-06-13. Review status: criteria provided, single submitter. Criteria: Invitae Variant Classification Sherloc (09022015). Collection method: clinical testing. Allele origin: germline.
Comment: This variant, c.5371_5391dup, results in the insertion of 7 amino acid(s) of the CAD protein (p.Glu1791_Gly1797dup), but otherwise preserves the integrity of the reading frame. This variant is present in population databases (no rsID available, gnomAD 0.0009%). This variant has not been reported in the literature in individuals affected with CAD-related conditions. Experimental studies and prediction algorithms are not available or were not evaluated, and the functional significance of this variant is currently unknown. In summary, the available evidence is currently insufficient to determine the role of this variant in disease. Therefore, it has been classified as a Variant of Uncertain Significance.

NM_004341.5(CAD):c.5371_5391dup (p.Glu1791_Gly1797dup)

Gene: CAD (carbamoyl-phosphate synthetase 2, aspartate transcarbamylase, and dihydroorotase; plus strand). Cytogenetic location: 2p23.3.
Variant type: Duplication.
Coding change: c.5371_5391dup on transcript NM_004341.5 (MANE Select); coding-DNA positions 5371 to 5391, 21 bases duplicated (GAGGTTGCCTATATCGATGGG).
Protein change: p.Glu1791_Gly1797dup.
Molecular consequence: inframe insertion.
Genome position (GRCh38, 1-based): chr2:27,239,448-27,239,468, GAGGTTGCCTATATCGATGGG duplicated; duplicating any 21 consecutive bases within chr2:27,239,445-27,239,468 gives the same sequence; the c. name uses the placement nearest the transcript's 3' end. VCF-style (leftmost placement, unchanged base first): chr2-27239444-A-AGGGGAGGTTGCCTATATCGAT. GRCh37 (hg19) VCF-style: chr2-27462312-A-AGGGGAGGTTGCCTATATCGAT.
Other names: c.5182_5202dup, p.Glu1728_Gly1734dup (NM_001306079.2).
Identifiers: ClinVar variation 1475848 (VCV001475848.3), dbSNP rs1386744038, ClinGen allele CA531763696.